The following is an entry in ClinVar:

NM_153717.3(EVC):c.569G>T (p.Arg190Leu)

Gene: EVC (EvC ciliary complex subunit 1; plus strand). Cytogenetic location: 4p16.2.
Variant type: single nucleotide variant.
Coding change: c.569G>T on transcript NM_153717.3 (MANE Select); coding-DNA position 569, G replaced by T.
Protein change: p.Arg190Leu; replaces arginine 190 with leucine.
Molecular consequence: missense variant.
Genome position (GRCh38, 1-based): chr4:5,731,609, G>T. VCF-style: chr4-5731609-G-T. GRCh37 (hg19) VCF-style: chr4-5733336-G-T.
Other names: c.569G>T, p.Arg190Leu (NM_001306090.2, NM_001306092.2); short protein forms R190L.
Identifiers: ClinVar variation 197383 (VCV000197383.21), dbSNP rs113002470, ClinGen allele CA245489.

ClinVar aggregate classification (germline): Conflicting classifications of pathogenicity. Review status: criteria provided, conflicting classifications (1 of 4 stars). 9 submissions from 8 submitters: Uncertain significance (8); Likely benign (1). Last evaluated 2026-01-19.

Conditions:
Inborn genetic diseases. Identifiers: MedGen C0950123, MeSH D030342.
Curry-Hall syndrome (WAD). Also called: WEYERS ACRODENTAL DYSOSTOSIS. Identifiers: Orphanet 952, MedGen C0457013, MONDO:0008673, OMIM 193530.
Ellis-van Creveld syndrome (EVC). Also called: Chondroectodermal dysplasia; MESOECTODERMAL DYSPLASIA. Identifiers: Orphanet 289, MedGen C0013903, MONDO:0009162, OMIM 225500.

Allele frequency attached by ClinVar (database versions not stated): ExAC 0.00023; gnomAD 0.00051; ESP Exome Variant Server 0.00069; TOPMed 0.00070; 1000 Genomes Project 30x 0.00109; 1000 Genomes Project 0.00120.
gnomAD v4.1: 315 of 1,614,130 alleles (0.02%); highest among the groups gnomAD compares: Middle Eastern, 0.4%; no homozygotes.

Submissions (9):

Labcorp Genetics (formerly Invitae), Labcorp
Classification: Likely benign for Curry-Hall syndrome; Ellis-van Creveld syndrome. Last evaluated: 2026-01-19. Review status: criteria provided, single submitter. Criteria: Invitae Variant Classification Sherloc (09022015). Collection method: clinical testing. Allele origin: germline.

Women's Health and Genetics/Laboratory Corporation of America, LabCorp
Classification: Uncertain significance. Last evaluated: 2024-09-25. Review status: criteria provided, single submitter. Criteria: LabCorp Variant Classification Summary - May 2015. Collection method: clinical testing. Allele origin: germline.
Comment: Variant summary: EVC c.569G>T (p.Arg190Leu) results in a non-conservative amino acid change in the encoded protein sequence. Three of five in-silico tools predict a damaging effect of the variant on protein function. The variant allele was found at a frequency of 0.00021 in 251022 control chromosomes. This frequency is not significantly higher than estimated for a pathogenic variant in EVC causing Ellis-van Creveld syndrome, allowing no conclusion about variant significance. To our knowledge, no occurrence of c.569G>T in individuals affected with Ellis-van Creveld syndrome and no experimental evidence demonstrating its impact on protein function have been reported. ClinVar contains an entry for this variant (Variation ID: 197383). Based on the evidence outlined above, the variant was classified as uncertain significance.

Blueprint Genetics
Classification: Uncertain significance. Last evaluated: 2024-07-30. Review status: criteria provided, single submitter. Criteria: ACMG Guidelines, 2015. Collection method: clinical testing. Allele origin: germline.

Ambry Genetics
Classification: Uncertain significance for Inborn genetic diseases. Last evaluated: 2024-06-19. Review status: criteria provided, single submitter. Criteria: Ambry Variant Classification Scheme 2023. Collection method: clinical testing. Allele origin: germline.

Genome-Nilou Lab
Classification: Uncertain significance for Curry-Hall syndrome. Last evaluated: 2021-07-14. Review status: criteria provided, single submitter. Criteria: ACMG Guidelines, 2015. Collection method: clinical testing. Allele origin: germline. Affected: no.

Genome-Nilou Lab
Classification: Uncertain significance for Ellis-van Creveld syndrome. Last evaluated: 2021-07-14. Review status: criteria provided, single submitter. Criteria: ACMG Guidelines, 2015. Collection method: clinical testing. Allele origin: germline. Affected: no.

Eurofins Ntd Llc (ga)
Classification: Uncertain significance. Last evaluated: 2018-01-24. Review status: criteria provided, single submitter. Criteria: EGL Classification Definitions 2015. Collection method: clinical testing. Allele origin: germline. Observed: 4 variant alleles, 4 heterozygotes.

Illumina Laboratory Services, Illumina
Classification: Uncertain significance for Ellis-van Creveld syndrome. Last evaluated: 2018-01-13. Review status: criteria provided, single submitter. Criteria: ICSL Variant Classification Criteria 13 December 2019. Collection method: clinical testing. Allele origin: germline.

Breakthrough Genomics
Classification: Uncertain significance. Review status: criteria provided, single submitter. Criteria: ACMG Guidelines, 2015. Collection method: not provided. Allele origin: germline. Inheritance: Autosomal recessive inheritance. Affected: yes.